The following is an entry in ClinVar:

ClinVar aggregate classification (germline): Uncertain significance (1 of 4 stars; one submission).

Conditions:
Glycine encephalopathy. Also called: Nonketotic hyperglycinemia; Non-ketotic hyperglycinemia. Identifiers: Orphanet 407, MedGen C0751748, MONDO:0011612, HP:0008288.

gnomAD v4.1: 1 of 1,592,108 alleles (0.000063%); highest among the groups gnomAD compares: Admixed American, 0.0017%; no homozygotes.

Submission:

Labcorp Genetics (formerly Invitae), Labcorp
Classification: Uncertain significance for Glycine encephalopathy. Last evaluated: 2022-01-19. Review status: criteria provided, single submitter. Criteria: Invitae Variant Classification Sherloc (09022015). Collection method: clinical testing. Allele origin: germline.
Comment: This sequence change replaces asparagine, which is neutral and polar, with lysine, which is basic and polar, at codon 214 of the GLDC protein (p.Asn214Lys). This variant is not present in population databases (gnomAD no frequency). This variant has not been reported in the literature in individuals affected with GLDC-related conditions. Advanced modeling of protein sequence and biophysical properties (such as structural, functional, and spatial information, amino acid conservation, physicochemical variation, residue mobility, and thermodynamic stability) performed at Invitae indicates that this missense variant is not expected to disrupt GLDC protein function. In summary, the available evidence is currently insufficient to determine the role of this variant in disease. Therefore, it has been classified as a Variant of Uncertain Significance.

NM_000170.3(GLDC):c.642C>G (p.Asn214Lys)

Gene: GLDC (glycine decarboxylase; minus strand). Cytogenetic location: 9p24.1.
Variant type: single nucleotide variant.
Coding change: c.642C>G on transcript NM_000170.3 (MANE Select); coding-DNA position 642, C replaced by G.
Protein change: p.Asn214Lys; replaces asparagine 214 with lysine.
Molecular consequence: missense variant.
Genome position (GRCh38, 1-based): chr9:6,606,663, G>C on the plus strand (C>G on the coding strand, the complement: GLDC is on the minus strand). VCF-style: chr9-6606663-G-C. GRCh37 (hg19) VCF-style: chr9-6606663-G-C.
Other names: short protein forms N214K.
Identifiers: ClinVar variation 1358959 (VCV001358959.3), dbSNP rs775546889, ClinGen allele CA372897773.
Genomic context (GRCh38, chr9:6,606,663, plus strand): 5'-CTGGACAACAGCTATTGTCTGTGGGTGGCAACGGGGATCAACGAGAAATTTCCTCCTCTT[G>C]TTGTGTCTGTTGAAAAGAAAAAGCACATTCCAACGTGAACATTAAATAAATAGGACTATC-3'
Protein context (NP_000161.2, residues 204-224): AEALQLCYRH[Asn214Lys]KRRKFLVDPR